The following is an entry in ClinVar:

NM_001148.6(ANK2):c.9962A>G (p.Tyr3321Cys)

Gene: ANK2 (ankyrin 2; plus strand). Cytogenetic location: 4q26.
Variant type: single nucleotide variant.
Coding change: c.9962A>G on transcript NM_001148.6 (MANE Select); coding-DNA position 9962, A replaced by G.
Protein change: p.Tyr3321Cys; replaces tyrosine 3321 with cysteine.
Molecular consequence: missense variant. On other transcripts: intron variant (68).
Genome position (GRCh38, 1-based): chr4:113,358,580, A>G. VCF-style: chr4-113358580-A-G. GRCh37 (hg19) VCF-style: chr4-114279736-A-G.
Other names: c.9728A>G, p.Tyr3243Cys (NM_001386142.1); c.6362A>G, p.Tyr2121Cys (NM_001386166.1); c.10103A>G, p.Tyr3368Cys (NM_001386174.1); c.10079A>G, p.Tyr3360Cys (NM_001386175.1); c.4412-2243A>G (NM_001386186.2, NM_001386148.2); c.4214-2243A>G (NM_001354269.3); c.4292-2243A>G (NM_001386187.2); c.4253-2243A>G (NM_001386147.1); and 35 more; short protein forms Y2121C, Y3243C, Y3321C, Y3360C, Y3368C.
Identifiers: ClinVar variation 1715673 (VCV001715673.5), dbSNP rs2506007864, ClinGen allele CA357939375.

ClinVar aggregate classification (germline): Uncertain significance (1 of 4 stars; one submission).

Conditions:
Long QT syndrome (LQTS). Identifiers: MedGen C0023976, MeSH D008133, MONDO:0002442. Disease mechanism: loss of function. Inheritance: Various modes of inheritance.

Submission:

Labcorp Genetics (formerly Invitae), Labcorp
Classification: Uncertain significance for Long QT syndrome. Last evaluated: 2022-08-08. Review status: criteria provided, single submitter. Criteria: Invitae Variant Classification Sherloc (09022015). Collection method: clinical testing. Allele origin: germline.
Comment: This sequence change replaces tyrosine, which is neutral and polar, with cysteine, which is neutral and slightly polar, at codon 3321 of the ANK2 protein (p.Tyr3321Cys). This variant is not present in population databases (gnomAD no frequency). This variant has not been reported in the literature in individuals affected with ANK2-related conditions. Algorithms developed to predict the effect of missense changes on protein structure and function output the following: SIFT: "Tolerated"; PolyPhen-2: "Benign"; Align-GVGD: "Class C0". The cysteine amino acid residue is found in multiple mammalian species, which suggests that this missense change does not adversely affect protein function. In summary, the available evidence is currently insufficient to determine the role of this variant in disease. Therefore, it has been classified as a Variant of Uncertain Significance.